The following is an entry in ClinVar:

NM_001378120.1(MBD5):c.2940A>T (p.Val980=)

Gene: MBD5 (methyl-CpG binding domain protein 5; plus strand). Cytogenetic location: 2q23.1.
Variant type: single nucleotide variant.
Coding change: c.2940A>T on transcript NM_001378120.1 (MANE Select); coding-DNA position 2940, A replaced by T.
Protein change: p.Val980=; no amino-acid change (valine 980 retained).
Molecular consequence: synonymous variant. On other transcripts: intron variant (1).
Genome position (GRCh38, 1-based): chr2:148,483,531, A>T. VCF-style: chr2-148483531-A-T. GRCh37 (hg19) VCF-style: chr2-149241100-A-T.
Other names: c.2845+95A>T (NM_018328.5).
Identifiers: ClinVar variation 3771942 (VCV003771942.13).

ClinVar aggregate classification (germline): Likely benign (1 of 4 stars; one submission).

gnomAD v4.1: 5 of 1,603,074 alleles (0.00031%); highest among the groups gnomAD compares: Non-Finnish European, 0.00034%; no homozygotes.

Submission:

CeGaT Center for Human Genetics Tuebingen
Classification: Likely benign. Last evaluated: 2025-02-01. Review status: criteria provided, single submitter. Criteria: CeGaT Center For Human Genetics Tuebingen Variant Classification Criteria Version 2. Collection method: clinical testing. Allele origin: germline. Affected: yes. Observed: 1 variant allele.
Comment: MBD5: BP4